The following is an entry in ClinVar:

ClinVar aggregate classification (germline): Pathogenic/Likely pathogenic. Review status: criteria provided, multiple submitters, no conflicts (2 of 4 stars). 3 submissions from 3 submitters: Pathogenic (1); Likely pathogenic (2). Last evaluated 2024-03-11.

Conditions:
Pontocerebellar hypoplasia type 6 (PCH6). Identifiers: Orphanet 166073, MedGen C1969084, MONDO:0012683, OMIM 611523.

Allele frequency attached by ClinVar (database versions not stated): gnomAD exomes below 0.00001; TOPMed below 0.00001.
gnomAD v4.1: 2 of 1,613,680 alleles (0.00012%); highest among the groups gnomAD compares: Non-Finnish European, 0.00017%; no homozygotes.

Submissions (3):

Baylor Genetics
Classification: Likely pathogenic for Pontocerebellar hypoplasia type 6. Last evaluated: 2024-03-11. Review status: criteria provided, single submitter. Criteria: ACMG Guidelines, 2015. Collection method: clinical testing. Allele origin: unknown.

Fulgent Genetics
Classification: Likely pathogenic for Pontocerebellar hypoplasia type 6. Last evaluated: 2024-03-07. Review status: criteria provided, single submitter. Criteria: ACMG Guidelines, 2015. Collection method: clinical testing. Allele origin: germline.

Labcorp Genetics (formerly Invitae), Labcorp
Classification: Pathogenic. Last evaluated: 2023-02-08. Review status: criteria provided, single submitter. Criteria: Invitae Variant Classification Sherloc (09022015). Collection method: clinical testing. Allele origin: germline.
Comment: This sequence change creates a premature translational stop signal (p.Ser57*) in the RARS2 gene. It is expected to result in an absent or disrupted protein product. Loss-of-function variants in RARS2 are known to be pathogenic (PMID: 17847012, 22569581, 26083569). This variant is not present in population databases (gnomAD no frequency). This variant has not been reported in the literature in individuals affected with RARS2-related conditions. For these reasons, this variant has been classified as Pathogenic.

Literature cited by the submitters: PubMed 17847012 (cited by Labcorp Genetics (formerly Invitae), Labcorp); PubMed 22569581 (cited by Labcorp Genetics (formerly Invitae), Labcorp); PubMed 26083569 (cited by Labcorp Genetics (formerly Invitae), Labcorp).

NM_020320.5(RARS2):c.170C>G (p.Ser57Ter)

Gene: RARS2 (arginyl-tRNA synthetase 2, mitochondrial; minus strand). Cytogenetic location: 6q15.
Variant type: single nucleotide variant.
Coding change: c.170C>G on transcript NM_020320.5 (MANE Select); coding-DNA position 170, C replaced by G.
Protein change: p.Ser57Ter; replaces serine 57 with a stop codon.
Molecular consequence: nonsense. On other transcripts: 5 prime UTR variant (7), non-coding transcript variant (23).
Genome position (GRCh38, 1-based): chr6:87,564,173, G>C on the plus strand (C>G on the coding strand, the complement: RARS2 is on the minus strand). VCF-style: chr6-87564173-G-C. GRCh37 (hg19) VCF-style: chr6-88273891-G-C.
Other names: c.-300C>G (NM_001318785.2, NM_001350509.2); c.170C>G, p.Ser57Ter (NM_001350505.2); c.-356C>G (NM_001350506.2, NM_001350507.2, NM_001350510.2 and 1 more transcripts); c.-518C>G (NM_001350508.2); short protein forms S57*.
Identifiers: ClinVar variation 2778728 (VCV002778728.5), dbSNP rs1788693733, ClinGen allele CA364940793.